The following is an entry in ClinVar:

NM_002381.5(MATN3):c.88C>G (p.Pro30Ala)

Gene: MATN3 (matrilin 3; minus strand). Cytogenetic location: 2p24.1.
Variant type: single nucleotide variant.
Coding change: c.88C>G on transcript NM_002381.5 (MANE Select); coding-DNA position 88, C replaced by G.
Protein change: p.Pro30Ala; replaces proline 30 with alanine.
Molecular consequence: missense variant.
Genome position (GRCh38, 1-based): chr2:20,012,544, G>C on the plus strand (C>G on the coding strand, the complement: MATN3 is on the minus strand). VCF-style: chr2-20012544-G-C. GRCh37 (hg19) VCF-style: chr2-20212305-G-C.
Other names: c.88C>G (NM_002381.4); short protein forms P30A.
Identifiers: ClinVar variation 1414422 (VCV001414422.10), dbSNP rs1028533695, ClinGen allele CA345951817.
Genomic context (GRCh38, chr2:20,012,544, plus strand): 5'-GTCCAGGGCTGCCCCCGGGACCTCGGGTCTCCAGCCTCCGGAAGCCCGGGCGGGCCACGG[G>C]GTCGGGGGCGGCGGAGGGCAGCAGCAGCAGCGGCCAGAGCAGCAGGAGGAGTCCCGGGAG-3'
Protein context (NP_002372.1, residues 20-40): LLLLPSAAPD[Pro30Ala]VARPGFRRLE

ClinVar aggregate classification (germline): Uncertain significance. Review status: criteria provided, multiple submitters, no conflicts (2 of 4 stars). 3 submissions from 3 submitters: Uncertain significance (3). Last evaluated 2023-05-04.

Conditions:
Inborn genetic diseases. Identifiers: MedGen C0950123, MeSH D030342.

Allele frequency attached by ClinVar (database versions not stated): gnomAD 0.00004.

Submissions (3):

Ambry Genetics
Classification: Uncertain significance for Inborn genetic diseases. Last evaluated: 2023-05-04. Review status: criteria provided, single submitter. Criteria: Ambry Variant Classification Scheme 2023. Collection method: clinical testing. Allele origin: germline.

Labcorp Genetics (formerly Invitae), Labcorp
Classification: Uncertain significance. Last evaluated: 2022-12-05. Review status: criteria provided, single submitter. Criteria: Invitae Variant Classification Sherloc (09022015). Collection method: clinical testing. Allele origin: germline.
Comment: In summary, the available evidence is currently insufficient to determine the role of this variant in disease. Therefore, it has been classified as a Variant of Uncertain Significance. Algorithms developed to predict the effect of missense changes on protein structure and function are either unavailable or do not agree on the potential impact of this missense change (SIFT: "Tolerated"; PolyPhen-2: "Not Available"; Align-GVGD: "Class C0"). ClinVar contains an entry for this variant (Variation ID: 1414422). This variant has not been reported in the literature in individuals affected with MATN3-related conditions. This variant is present in population databases (no rsID available, gnomAD 0.01%). This sequence change replaces proline, which is neutral and non-polar, with alanine, which is neutral and non-polar, at codon 30 of the MATN3 protein (p.Pro30Ala).

Blueprint Genetics
Classification: Uncertain significance. Last evaluated: 2022-10-07. Review status: criteria provided, single submitter. Criteria: ACMG Guidelines, 2015. Collection method: clinical testing. Allele origin: germline.